The following is an entry in ClinVar:

NM_174936.4(PCSK9):c.168C>G (p.Pro56=)

Gene: PCSK9 (proprotein convertase subtilisin/kexin type 9; plus strand). Cytogenetic location: 1p32.3.
Variant type: single nucleotide variant.
Coding change: c.168C>G on transcript NM_174936.4 (MANE Select); coding-DNA position 168, C replaced by G.
Protein change: p.Pro56=; no amino-acid change (proline 56 retained).
Molecular consequence: synonymous variant.
Genome position (GRCh38, 1-based): chr1:55,040,005, C>G. VCF-style: chr1-55040005-C-G. GRCh37 (hg19) VCF-style: chr1-55505678-C-G.
Identifiers: ClinVar variation 924602 (VCV000924602.11), dbSNP rs763029049, ClinGen allele CA038565.

ClinVar aggregate classification (germline): Likely benign. Review status: criteria provided, multiple submitters, no conflicts (2 of 4 stars). 5 submissions from 5 submitters: Likely benign (5). Last evaluated 2026-04-01.

Conditions:
Hypercholesterolemia, autosomal dominant, 3 (FHCL3). Also called: Familial Hypercholesterolemia, Autosomal Dominant, 3; Familial hypercholesterolemia 3; PCSK9-Related Familial Hypercholesterolemia, Autosomal Dominant. Identifiers: MedGen C1863551, MONDO:0011369, OMIM 603776.
Familial hypercholesterolemia. Also called: Familial hypercholesterolemias; Familial hypercholesterolaemia. Identifiers: MedGen C0020445, MONDO:0005439.

Allele frequency attached by ClinVar (database versions not stated): gnomAD 0.00003; TOPMed 0.00005.

Submissions (5):

CeGaT Center for Human Genetics Tuebingen
Classification: Likely benign. Last evaluated: 2026-04-01. Review status: criteria provided, single submitter. Criteria: CeGaT Center For Human Genetics Tuebingen Variant Classification Criteria Version 2. Collection method: clinical testing. Allele origin: germline. Affected: yes. Observed: 1 variant allele.
Comment: PCSK9: BP4, BP7

Women's Health and Genetics/Laboratory Corporation of America, LabCorp
Classification: Likely benign. Last evaluated: 2025-03-24. Review status: criteria provided, single submitter. Criteria: LabCorp Variant Classification Summary - May 2015. Collection method: clinical testing. Allele origin: germline.

Labcorp Genetics (formerly Invitae), Labcorp
Classification: Likely benign for Hypercholesterolemia, autosomal dominant, 3. Last evaluated: 2024-06-30. Review status: criteria provided, single submitter. Criteria: Invitae Variant Classification Sherloc (09022015). Collection method: clinical testing. Allele origin: germline.

All of Us Research Program, National Institutes of Health
Classification: Likely benign for Hypercholesterolemia, autosomal dominant, 3. Last evaluated: 2024-02-05. Review status: criteria provided, single submitter. Criteria: ACMG Guidelines, 2015. Collection method: clinical testing. Allele origin: germline. Inheritance: Autosomal dominant inheritance. Observed: 16 variant alleles, 16 heterozygotes.
Comment: This study involves interpretation of variants in research participants for the purpose of population health screening. Participant phenotype was not available at the time of variant classification. Additional details can be found in publication PMID: 35346344, PMCID: PMC8962531

Color Diagnostics, LLC DBA Color Health
Classification: Likely benign for Familial hypercholesterolemia. Last evaluated: 2017-06-02. Review status: criteria provided, single submitter. Criteria: ACMG Guidelines, 2015. Collection method: clinical testing. Allele origin: germline.